The following is an entry in ClinVar:

ClinVar aggregate classification (germline): Uncertain significance. Review status: criteria provided, multiple submitters, no conflicts (2 of 4 stars). 3 submissions from 3 submitters: Uncertain significance (3). Last evaluated 2023-07-10.

Conditions:
Cardiovascular phenotype. Identifiers: MedGen CN230736.
Hypercholesterolemia, autosomal dominant, 3 (FHCL3). Also called: Familial Hypercholesterolemia, Autosomal Dominant, 3; PCSK9-Related Familial Hypercholesterolemia, Autosomal Dominant; Familial hypercholesterolemia 3. Identifiers: MedGen C1863551, MONDO:0011369, OMIM 603776.

Submissions (3):

All of Us Research Program, National Institutes of Health
Classification: Uncertain significance for Hypercholesterolemia, autosomal dominant, 3. Last evaluated: 2023-07-10. Review status: criteria provided, single submitter. Criteria: ACMG Guidelines, 2015. Collection method: clinical testing. Allele origin: germline. Inheritance: Autosomal dominant inheritance. Observed: 1 variant allele, 1 heterozygote.
Comment: This missense variant replaces glycine with arginine at codon 640 of the PCSK9 protein. Computational prediction suggests that this variant may not impact protein structure and function (internally defined REVEL score threshold <= 0.5, PMID: 27666373). To our knowledge, functional studies have not been reported for this variant. This variant has not been reported in individuals affected with PCSK9-related disorders in the literature. This variant has not been identified in the general population by the Genome Aggregation Database (gnomAD). The available evidence is insufficient to determine the role of this variant in disease conclusively. Therefore, this variant is classified as a Variant of Uncertain Significance.

This study involves interpretation of variants in research participants for the purpose of population health screening. Participant phenotype was not available at the time of variant classification. Additional details can be found in publication PMID: 35346344, PMCID: PMC8962531

Labcorp Genetics (formerly Invitae), Labcorp
Classification: Uncertain significance for Hypercholesterolemia, autosomal dominant, 3. Last evaluated: 2023-01-14. Review status: criteria provided, single submitter. Criteria: Invitae Variant Classification Sherloc (09022015). Collection method: clinical testing. Allele origin: germline.
Comment: This sequence change replaces glycine, which is neutral and non-polar, with arginine, which is basic and polar, at codon 640 of the PCSK9 protein (p.Gly640Arg). This variant is not present in population databases (gnomAD no frequency). ClinVar contains an entry for this variant (Variation ID: 1782609). Advanced modeling of protein sequence and biophysical properties (such as structural, functional, and spatial information, amino acid conservation, physicochemical variation, residue mobility, and thermodynamic stability) performed at Invitae indicates that this missense variant is not expected to disrupt PCSK9 protein function. In summary, the available evidence is currently insufficient to determine the role of this variant in disease. Therefore, it has been classified as a Variant of Uncertain Significance. This variant has not been reported in the literature in individuals affected with PCSK9-related conditions.

Ambry Genetics
Classification: Uncertain significance for Cardiovascular phenotype. Last evaluated: 2022-07-23. Review status: criteria provided, single submitter. Criteria: Ambry Variant Classification Scheme 2023. Collection method: clinical testing. Allele origin: germline.
Comment: The p.G640R variant (also known as c.1918G>C), located in coding exon 12 of the PCSK9 gene, results from a G to C substitution at nucleotide position 1918. The glycine at codon 640 is replaced by arginine, an amino acid with dissimilar properties. This amino acid position is conserved. In addition, this alteration is predicted to be tolerated by in silico analysis. Since supporting evidence is limited at this time, the clinical significance of this alteration remains unclear.

NM_174936.4(PCSK9):c.1918G>C (p.Gly640Arg)

Gene: PCSK9 (proprotein convertase subtilisin/kexin type 9; plus strand). Cytogenetic location: 1p32.3.
Variant type: single nucleotide variant.
Coding change: c.1918G>C on transcript NM_174936.4 (MANE Select); coding-DNA position 1918, G replaced by C.
Protein change: p.Gly640Arg; replaces glycine 640 with arginine.
Molecular consequence: missense variant.
Genome position (GRCh38, 1-based): chr1:55,063,423, G>C. VCF-style: chr1-55063423-G-C. GRCh37 (hg19) VCF-style: chr1-55529096-G-C.
Other names: c.2041G>C, p.Gly681Arg (NM_001407240.1); c.1960G>C, p.Gly654Arg (NM_001407241.1); c.1921G>C, p.Gly641Arg (NM_001407242.1); c.1861G>C, p.Gly621Arg (NM_001407243.1); c.1744G>C, p.Gly582Arg (NM_001407244.1); c.1726G>C, p.Gly576Arg (NM_001407245.1); c.1543G>C, p.Gly515Arg (NM_001407246.1); c.1417G>C, p.Gly473Arg (NM_001407247.1); short protein forms G473R, G576R, G582R, G641R, G654R, G681R, G515R, G621R.
Identifiers: ClinVar variation 1782609 (VCV001782609.6), dbSNP rs2523286091, ClinGen allele CA340480655.
Genomic context (GRCh38, chr1:55,063,423, plus strand): 5'-TGGCAGGTGACCGTGGCCTGCGAGGAGGGCTGGACCCTGACTGGCTGCAGTGCCCTCCCT[G>C]GGACCTCCCACGTCCTGGGGGCCTACGCCGTAGACAACACGTGTGTAGTCAGGAGCCGGG-3'
Protein context (NP_777596.2, residues 630-650): WTLTGCSALP[Gly640Arg]TSHVLGAYAV